The following is an entry in ClinVar:

ClinVar aggregate classification (germline): Pathogenic (1 of 4 stars; one submission).

Conditions:
Achondrogenesis type II (ACG2). Also called: ACHONDROGENESIS, LANGER-SALDINO TYPE; CHONDROGENESIS IMPERFECTA. Identifiers: Orphanet 932, Orphanet 93296, MedGen C0220685, MONDO:0008702, OMIM 200610.

Submission:

Medical Genetics UMG, Mater Domini University Hospital/ Magna Graecia University of Catanzaro
Classification: Pathogenic for Achondrogenesis type II. Review status: criteria provided, single submitter. Criteria: ACMG Guidelines, 2015. Collection method: clinical testing. Allele origin: de novo. Affected: yes.
Comment: The variant c.1267-2_1269del was described by Bruni et al. (PMID: 34573377). This variant is de novo. This variant in a minigene assay generated a messenger producing a protein with different length and computational evidence of pathogenicity. This variant is absent in GnomAD. This variant is located in a gene with a well established gene-disease relationship.

Literature cited by the submitters: PubMed 34573377.

NM_001844.5(COL2A1):c.1267-2_1269del

Gene: COL2A1 (collagen type II alpha 1 chain; minus strand). Cytogenetic location: 12q13.11.
Variant type: Deletion.
Coding change: c.1267-2_1269del on transcript NM_001844.5 (MANE Select); the canonical splice acceptor site of the intron before coding-DNA position 1267 through coding-DNA position 1269, 5 bases deleted (AGGGT; older notation c.1267-2_1269delAGGGT).
Molecular consequence: splice acceptor variant.
Genome position (GRCh38, 1-based): chr12:47,987,174-47,987,178, ACCCT deleted on the plus strand (AGGGT on the coding strand, the reverse complement: COL2A1 is on the minus strand). VCF-style (leftmost placement, unchanged base first): chr12-47987173-CACCCT-C. GRCh37 (hg19) VCF-style: chr12-48380956-CACCCT-C.
Other names: c.1060-2_1062del (NM_033150.3).
Identifiers: ClinVar variation 1702988 (VCV001702988.1), dbSNP rs2136576211, ClinGen allele CA2580085526.